The following is an entry in ClinVar:

ClinVar aggregate classification (germline): Conflicting classifications of pathogenicity. Review status: criteria provided, conflicting classifications (1 of 4 stars). 2 submissions from 2 submitters: Uncertain significance (1); Likely benign (1). Last evaluated 2025-11-07.

Conditions:
ZTTK syndrome (ZTTKS). Also called: ZTTK MULTIPLE CONGENITAL ANOMALIES-MENTAL RETARDATION SYNDROME; Zhu-Tokita-Takenouchi-Kim Syndrome. Identifiers: Orphanet 500150, MedGen C4310696, MONDO:0014936, OMIM 617140.

Allele frequency attached by ClinVar (database versions not stated): ExAC 0.00002; 1000 Genomes Project 0.00379; ESP Exome Variant Server 0.00830.

Submissions (2):

Dasa
Classification: Uncertain significance for ZTTK syndrome. Last evaluated: 2025-11-07. Review status: criteria provided, single submitter. Criteria: DASA Assertion Criteria. Collection method: clinical testing. Allele origin: germline.
Comment: NM_138927.4(SON):c.4090G>A (p.Ala1364Thr) is a missense variant that results in the substitution of alanine with threonine. This variant is rare in population databases. Computational prediction algorithms are consistent with a benign effect. The currently available literature and clinical evidence are not sufficient to establish a definitive association between this variant and the reported condition. Therefore, this variant is classified as a variant of uncertain significance.

CeGaT Center for Human Genetics Tuebingen
Classification: Likely benign. Last evaluated: 2025-01-01. Review status: criteria provided, single submitter. Criteria: CeGaT Center For Human Genetics Tuebingen Variant Classification Criteria Version 2. Collection method: clinical testing. Allele origin: germline. Affected: yes. Observed: 5 variant alleles.
Comment: SON: BP4

NM_138927.4(SON):c.4090G>A (p.Ala1364Thr)

Gene: SON (SON DNA and RNA binding protein; plus strand). Cytogenetic location: 21q22.11.
Variant type: single nucleotide variant.
Coding change: c.4090G>A on transcript NM_138927.4 (MANE Select); coding-DNA position 4090, G replaced by A.
Protein change: p.Ala1364Thr; replaces alanine 1364 with threonine.
Molecular consequence: missense variant. On other transcripts: non-coding transcript variant (1), intron variant (1).
Genome position (GRCh38, 1-based): chr21:33,553,321, G>A. VCF-style: chr21-33553321-G-A. GRCh37 (hg19) VCF-style: chr21-34925627-G-A.
Other names: c.4090G>A, p.Ala1364Thr (NM_001291411.2, NM_001412133.1, NM_032195.3 and 2 more transcripts); c.245-3835G>A (NM_001291412.3); short protein forms A1364T.
Identifiers: ClinVar variation 2652614 (VCV002652614.26), dbSNP rs140276173, ClinGen allele CA10009446.